The following is an entry in ClinVar:

ClinVar aggregate classification (germline): Conflicting classifications of pathogenicity. Review status: criteria provided, conflicting classifications (1 of 4 stars). 5 submissions from 5 submitters: Likely pathogenic (2); Uncertain significance (3). Last evaluated 2026-05-24.

Conditions:
Autosomal recessive limb-girdle muscular dystrophy type 2J (LGMDR10). Also called: Limb-girdle muscular dystrophy, type 2J; MUSCULAR DYSTROPHY, LIMB-GIRDLE, AUTOSOMAL RECESSIVE 10. Identifiers: Orphanet 140922, MedGen C1837342, MONDO:0012127, OMIM 608807.
Dilated cardiomyopathy 1G (CMD1G). Identifiers: Orphanet 154, MedGen C1858763, MONDO:0011400, OMIM 604145.
TTN-related disorder. Also called: TTN-related condition; TTN-related disease; TTN-related disorders.

Allele frequency attached by ClinVar (database versions not stated): gnomAD 0.00001; TOPMed 0.00001; gnomAD exomes 0.00004.
gnomAD v4.1: 58 of 1,610,548 alleles (0.0036%); highest among the groups gnomAD compares: Non-Finnish European, 0.0049%; no homozygotes.

Submissions (5):

PreventionGenetics, part of Exact Sciences
Classification: Likely pathogenic for TTN-related condition. Last evaluated: 2026-05-24. Review status: criteria provided, single submitter. Criteria: ACMG Guidelines, 2015. Collection method: clinical testing. Allele origin: germline.
Comment: The TTN c.32011+1G>T variant is predicted to disrupt the GT donor site and interfere with normal splicing. This variant has been reported in large cohort studies of rare genetic variants contributing to cardiac disease and associated traits (Tables ST6 and ST7, Jurgens et al. 2022. PubMed ID: 35177841; Table IX, Choi et al. 2019. PubMed ID: 31691645). This variant has not been reported in a large population database (gnomAD), indicating this variant is rare. This variant affects the canonical splice donor site of an exon located in the I-band region of the TTN protein. RNAseq studies from heart tissue indicate this exon is not commonly included in TTN mRNA transcripts (PSI of 25%, Roberts et al. 2015. PubMed ID: 25589632). TTN loss-of- function variants occurring in non-constitutively expressed exons (PSI < 90%) are less likely to be disease causing for TTN cardiac-related disorders (Roberts et al. 2015. PubMed ID: 25589632; Schafer et al. 2017. PubMed ID: 27869827; Akhtar et al. 2020. PubMed ID: 32964742). Many cases of recessive TTN-related myopathies in which the individual is compound heterozygous for two loss-of-function variants in TTN have also been reported (Ge et al. 2019. PubMed ID: 31053406; Oates et al. 2018. PubMed ID: 29691892; Rees et al. 2021. PubMed ID: 33449170). In summary, this variant is likely pathogenic for autosomal recessive TTN-related congenital titinopathies. However, it is uncertain if this variant would be causative for autosomal dominant TTN-related disorders.

Labcorp Genetics (formerly Invitae), Labcorp
Classification: Likely pathogenic for Dilated cardiomyopathy 1G; Autosomal recessive limb-girdle muscular dystrophy type 2J. Last evaluated: 2026-01-27. Review status: criteria provided, single submitter. Criteria: Invitae Variant Classification Sherloc (09022015). Collection method: clinical testing. Allele origin: germline.
Comment: This sequence change affects a donor splice site in intron 124 of the TTN gene. It is expected to disrupt RNA splicing and likely results in a truncated or disrupted TTN protein. This variant is not present in population databases (gnomAD no frequency). This variant has not been observed in the literature in individuals with autosomal recessive TTN-related conditions. This variant has been reported in individual(s) with dilated cardiomyopathy (internal data); however, the role of the variant in this condition is currently unclear. ClinVar contains an entry for this variant (Variation ID: 859044). Algorithms developed to predict the effect of sequence changes on RNA splicing suggest that this variant may disrupt the consensus splice site. This variant is located in the I band of TTN (PMID: 25589632). Truncating variants in this region have been reported in individuals affected with autosomal recessive centronuclear myopathy (PMID: 23975875, internal data). Truncating variants in this region have also been identified in individuals affected with autosomal dominant dilated cardiomyopathy and/or cardio-related conditions (PMID: 27869827, 32964742, internal data). In summary, the currently available evidence indicates that the variant is pathogenic, but additional data are needed to prove that conclusively. Therefore, this variant has been classified as Likely Pathogenic.

Athena Diagnostics
Classification: Uncertain significance. Last evaluated: 2022-01-11. Review status: criteria provided, single submitter. Criteria: Athena Diagnostics Criteria. Collection method: clinical testing. Allele origin: unknown.

AiLife Diagnostics
Classification: Uncertain significance. Last evaluated: 2021-09-23. Review status: criteria provided, single submitter. Criteria: ACMG Guidelines, 2015. Collection method: clinical testing. Allele origin: germline. Affected: yes. Observed: 1 variant allele.

Revvity Omics, Revvity
Classification: Uncertain significance. Last evaluated: 2019-09-23. Review status: criteria provided, single submitter. Criteria: ACMG Guidelines, 2015. Collection method: clinical testing. Allele origin: germline.

Literature cited by the submitters: PubMed 25589632 (cited by Labcorp Genetics (formerly Invitae), Labcorp); PubMed 23975875 (cited by Labcorp Genetics (formerly Invitae), Labcorp); PubMed 27869827 (cited by Labcorp Genetics (formerly Invitae), Labcorp); PubMed 32964742 (cited by Labcorp Genetics (formerly Invitae), Labcorp).

NM_001267550.2(TTN):c.32011+1G>T

Gene: TTN (titin; minus strand). Cytogenetic location: 2q31.2.
Variant type: single nucleotide variant.
Coding change: c.32011+1G>T on transcript NM_001267550.2 (MANE Select); the canonical splice donor site of the intron after coding-DNA position 32011, G replaced by T.
Molecular consequence: splice donor variant. On other transcripts: intron variant (3).
Genome position (GRCh38, 1-based): chr2:178,689,289, C>A on the plus strand (G>T on the coding strand, the complement: TTN is on the minus strand). VCF-style: chr2-178689289-C-A. GRCh37 (hg19) VCF-style: chr2-179554016-C-A.
Other names: c.13859-46972G>T (NM_133437.4); c.13658-46972G>T (NM_133432.3); c.28279+1G>T (NM_133378.4); c.31060+1G>T (NM_001256850.1); c.13283-46972G>T (NM_003319.4); c.32011+1G>T (NM_001267550.1).
Identifiers: ClinVar variation 859044 (VCV000859044.13), dbSNP rs1471534246, ClinGen allele CA349554647.